The following is an entry in ClinVar:

ClinVar aggregate classification (germline): Benign/Likely benign. Review status: criteria provided, multiple submitters, no conflicts (2 of 4 stars). 9 submissions from 9 submitters: Benign (3); Likely benign (4). 2 of the submissions do not count toward it. Last evaluated 2026-01-07.

Conditions:
Cardiovascular phenotype. Identifiers: MedGen CN230736.
Brugada syndrome. Also called: Sudden unexplained nocturnal death syndrome; Sudden unexpected nocturnal death syndrome; Sudden Unexplained Death Syndrome; Sudden Unexplained Nocturnal Death Syndrome (SUNDS). Identifiers: Orphanet 130, MedGen C1142166, MONDO:0015263.

Allele frequency attached by ClinVar (database versions not stated): 1000 Genomes Project 30x 0.00062; 1000 Genomes Project 0.00080; gnomAD 0.00097 and 0.00106; ESP Exome Variant Server 0.00100; TOPMed 0.00100; gnomAD exomes 0.00101 and 0.00113; ExAC 0.00108.
gnomAD v4.1: 1,819 of 1,613,978 alleles (0.11%); highest among the groups gnomAD compares: Middle Eastern, 0.13%; 3 homozygotes.

Submissions (10):

Labcorp Genetics (formerly Invitae), Labcorp
Classification: Benign for Brugada syndrome. Last evaluated: 2026-01-07. Review status: criteria provided, single submitter. Criteria: Invitae Variant Classification Sherloc (09022015). Collection method: clinical testing. Allele origin: germline.

CeGaT Center for Human Genetics Tuebingen
Classification: Likely benign. Last evaluated: 2025-10-01. Review status: criteria provided, single submitter. Criteria: CeGaT Center For Human Genetics Tuebingen Variant Classification Criteria Version 2. Collection method: clinical testing. Allele origin: germline. Affected: yes. Observed: 2 variant alleles.
Comment: SCN10A: BP4, BP7, BS1

Blueprint Genetics
Classification: Likely benign. Last evaluated: 2024-10-29. Review status: criteria provided, single submitter. Criteria: ACMG Guidelines, 2015. Collection method: clinical testing. Allele origin: germline.

Women's Health and Genetics/Laboratory Corporation of America, LabCorp
Classification: Benign. Last evaluated: 2024-01-28. Review status: criteria provided, single submitter. Criteria: LabCorp Variant Classification Summary - May 2015. Collection method: clinical testing. Allele origin: germline.

Mayo Clinic Laboratories, Mayo Clinic
Classification: Benign. Last evaluated: 2023-06-02. Review status: criteria provided, single submitter. Criteria: ACMG Guidelines, 2015. Collection method: clinical testing. Allele origin: germline. Observed: 5 variant alleles.

GeneDx
Classification: Likely benign. Last evaluated: 2021-08-24. Review status: criteria provided, single submitter. Criteria: GeneDx Variant Classification Process June 2021. Collection method: clinical testing. Allele origin: germline. Affected: yes.

Ambry Genetics
Classification: Likely benign for Cardiovascular phenotype. Last evaluated: 2019-08-12. Review status: criteria provided, single submitter. Criteria: Ambry Variant Classification Scheme 2023. Collection method: clinical testing. Allele origin: germline.

Clinical Genetics, Academic Medical Center
Classification: Likely benign. Review status: no assertion criteria provided. Collection method: clinical testing. Allele origin: germline. Affected: yes. Study: VKGL Data-share Consensus. Not counted in ClinVar's aggregate classification.

Dr. Peter K. Rogan Lab, Western University
No classification provided (evidence only). Condition: Melanoma. Review status: no classification provided. Collection method: in vitro. Allele origin: not applicable. Functional consequence: retained intron. Not counted in ClinVar's aggregate classification.

Joint Genome Diagnostic Labs from Nijmegen and Maastricht, Radboudumc and MUMC+
Classification: Likely benign. Review status: no assertion criteria provided. Collection method: clinical testing. Allele origin: germline. Affected: yes. Study: VKGL Data-share Consensus. Not counted in ClinVar's aggregate classification.

NM_006514.4(SCN10A):c.5295G>A (p.Ser1765=)

Gene: SCN10A (sodium voltage-gated channel alpha subunit 10; minus strand). Cytogenetic location: 3p22.2.
Variant type: single nucleotide variant.
Coding change: c.5295G>A on transcript NM_006514.4 (MANE Select); coding-DNA position 5295, G replaced by A.
Protein change: p.Ser1765=; no amino-acid change (serine 1765 retained).
Molecular consequence: synonymous variant.
Genome position (GRCh38, 1-based): chr3:38,697,925, C>T on the plus strand (G>A on the coding strand, the complement: SCN10A is on the minus strand). VCF-style: chr3-38697925-C-T. GRCh37 (hg19) VCF-style: chr3-38739416-C-T.
Other names: p.Ser1765=; c.5292G>A, p.Ser1764= (NM_001293306.2); c.5001G>A, p.Ser1667= (NM_001293307.2).
Identifiers: ClinVar variation 381215 (VCV000381215.44), dbSNP rs145313578, ClinGen allele CA2319701.